The following is an entry in ClinVar:

ClinVar aggregate classification (germline): Likely pathogenic (1 of 4 stars; one submission).

Conditions:
ketotic hypoglycaemia.

Submission:

Smedley Team, Phenogenomics Group, Queen Mary University of London
Classification: Likely pathogenic for ketotic hypoglycaemia. Last evaluated: 2024-12-16. Review status: criteria provided, single submitter. Criteria: ACMG Guidelines, 2015. Collection method: case-control. Allele origin: germline. Affected: yes.
Comment: In addition, this variant is absent from gnomAD and was classified as PM2 leading to an overall pathogenic classification. FAM20C was identified as a novel disease-gene association for ketotic hypoglycaemia in a gene burden study of the 100,000 Genomes Project.

NM_020223.4(FAM20C):c.925_926insGGTG (p.Asn309delinsArgTer)

Gene: FAM20C (FAM20C golgi associated secretory pathway kinase; plus strand). Cytogenetic location: 7p22.3.
Variant type: Insertion.
Coding change: c.925_926insGGTG on transcript NM_020223.4 (MANE Select); coding-DNA positions 925 to 926, GGTG inserted.
Protein change: p.Asn309delinsArgTer.
Molecular consequence: nonsense.
Genome position: GRCh38 VCF-style: chr7-246476-A-AGGTG. GRCh37 (hg19) VCF-style: chr7-286442-A-AGGTG.
Identifiers: ClinVar variation 3391420 (VCV003391420.1).
Genomic context (GRCh38, chr7:246,476, plus strand): 5'-CAAACGAGGGAGCAGGAGACACCCCCTGACTTTTTTTATTTCTCTGACTACGAGAGGCAC[A>AGGTG]ATGCGGAGATTGCTGCCTTCCACCTGGACAGGTGAGCCCTTCCTTCCTCCCTCCATCCGC-3'